The following is an entry in ClinVar:

ClinVar aggregate classification (germline): Uncertain significance (1 of 4 stars; one submission).

Conditions:
Inborn genetic diseases. Identifiers: MedGen C0950123, MeSH D030342.

Submission:

Ambry Genetics
Classification: Uncertain significance for Inborn genetic diseases. Last evaluated: 2026-07-27. Review status: criteria provided, single submitter. Criteria: Ambry Variant Classification Scheme 2023. Collection method: clinical testing. Allele origin: germline.
Comment: The p.F876S variant (also known as c.2627T>C), located in coding exon 28 of the FANCA gene, results from a T to C substitution at nucleotide position 2627. The phenylalanine at codon 876 is replaced by serine, an amino acid with highly dissimilar properties. This amino acid position is conserved. In addition, the in silico prediction for this alteration is inconclusive. Based on the available evidence, the clinical significance of this variant remains unclear.

NM_000135.4(FANCA):c.2627T>C (p.Phe876Ser)

Genes: FANCA (FA complementation group A; minus strand), LOC130059837 (ATAC-STARR-seq lymphoblastoid active region 11420; plus strand). Cytogenetic location: 16q24.3.
Variant type: single nucleotide variant.
Coding change: c.2627T>C on transcript NM_000135.4 (MANE Select); coding-DNA position 2627, T replaced by C.
Protein change: p.Phe876Ser; replaces phenylalanine 876 with serine.
Molecular consequence: missense variant.
Genome position (GRCh38, 1-based): chr16:89,765,041, A>G on the plus strand (T>C on the coding strand, the complement: FANCA is on the minus strand). VCF-style: chr16-89765041-A-G. GRCh37 (hg19) VCF-style: chr16-89831449-A-G.
Other names: c.2627T>C, p.Phe876Ser (NM_001286167.3); short protein forms F876S.
Identifiers: ClinVar variation 5036375 (VCV005036375.1).
Genomic context (GRCh38, chr16:89,765,041, plus strand): 5'-AAGGGTCTCCAGGAAAGGCTGGCTACGTCCTCCTCAGAAAGAGGCTGTCGGGCCTCTGAG[A>G]ACAATCTGAACATGAGGAACTGAAACTGAAACAGAGAGTGACCCGGCCGTTTCTTCATTG-3'
Protein context (NP_000126.2, residues 866-886): KKFQFLMFRL[Phe876Ser]SEARQPLSEE